The following is an entry in ClinVar:

ClinVar aggregate classification (germline): Benign. Review status: criteria provided, multiple submitters, no conflicts (2 of 4 stars). 2 submissions from 2 submitters: Benign (2). Last evaluated 2026-02-04.

Conditions:
Vanishing white matter disease. Also called: CACH syndrome; Childhood ataxia with diffuse central nervous system hypomyelination; Leukoencephalopathy with vanishing white matter; CACH/VWM syndrome; Cree leukoencehalopathy. Identifiers: Orphanet 135, Orphanet 99853, MedGen C1858991, MONDO:0800448.

Allele frequency attached by ClinVar (database versions not stated): gnomAD 0.00034 and 0.00185; gnomAD exomes 0.00190; ExAC 0.00319; 1000 Genomes Project 0.00539; 1000 Genomes Project 30x 0.00656.

Submissions (2):

Labcorp Genetics (formerly Invitae), Labcorp
Classification: Benign. Last evaluated: 2026-02-04. Review status: criteria provided, single submitter. Criteria: Invitae Variant Classification Sherloc (09022015). Collection method: clinical testing. Allele origin: germline.

Illumina Laboratory Services, Illumina
Classification: Benign for Leukoencephalopathy with vanishing white matter 1. Last evaluated: 2018-01-12. Review status: criteria provided, single submitter. Criteria: ICSL Variant Classification Criteria 13 December 2019. Collection method: clinical testing. Allele origin: germline.
Comment: This variant was observed in the ICSL laboratory as part of a predisposition screen in an ostensibly healthy population. It had not been previously curated by ICSL or reported in the Human Gene Mutation Database (HGMD: prior to June 1st, 2018), and was therefore a candidate for classification through an automated scoring system. Utilizing variant allele frequency, disease prevalence and penetrance estimates, and inheritance mode, an automated score was calculated to assess if this variant is too frequent to cause the disease. Based on the score and internal cut-off values, a variant classified as benign is not then subjected to further curation. The score for this variant resulted in a classification of benign for this disease.

NM_014239.4(EIF2B2):c.434-11C>T

Gene: EIF2B2 (eukaryotic translation initiation factor 2B subunit beta; plus strand). Cytogenetic location: 14q24.3.
Variant type: single nucleotide variant.
Coding change: c.434-11C>T on transcript NM_014239.4 (MANE Select); 11 bases into the intron before coding-DNA position 434, C replaced by T.
Molecular consequence: intron variant.
Genome position (GRCh38, 1-based): chr14:75,004,726, C>T. VCF-style: chr14-75004726-C-T. GRCh37 (hg19) VCF-style: chr14-75471429-C-T.
Identifiers: ClinVar variation 314332 (VCV000314332.12), dbSNP rs200995477, ClinGen allele CA7274949.